The following is an entry in ClinVar:

ClinVar aggregate classification (germline): Uncertain significance (1 of 4 stars; one submission).

Conditions:
Ataxia-telangiectasia syndrome (AT). Also called: ATAXIA-TELANGIECTASIA, COMPLEMENTATION GROUP A; ATAXIA-TELANGIECTASIA, FRESNO VARIANT; Ataxia-telangiectasia; Ataxia-telangiectasia, complementation group D; AT, COMPLEMENTATION GROUP C; Ataxia-telangiectasia, complementation group E. Identifiers: Orphanet 100, MedGen C0004135, MONDO:0008840, OMIM 208900.

Submission:

Labcorp Genetics (formerly Invitae), Labcorp
Classification: Uncertain significance for Ataxia-telangiectasia syndrome. Last evaluated: 2019-01-26. Review status: criteria provided, single submitter. Criteria: Invitae Variant Classification Sherloc (09022015). Collection method: clinical testing. Allele origin: germline.
Comment: Algorithms developed to predict the effect of missense changes on protein structure and function (SIFT, PolyPhen-2, Align-GVGD) all suggest that this variant is likely to be disruptive, but these predictions have not been confirmed by published functional studies and their clinical significance is uncertain. This variant has not been reported in the literature in individuals with ATM-related conditions. This variant is not present in population databases (ExAC no frequency). This sequence change replaces leucine with valine at codon 2361 of the ATM protein (p.Leu2361Val). The leucine residue is highly conserved and there is a small physicochemical difference between leucine and valine. In summary, the available evidence is currently insufficient to determine the role of this variant in disease. Therefore, it has been classified as a Variant of Uncertain Significance.

NM_000051.4(ATM):c.7081C>G (p.Leu2361Val)

Genes: ATM (ATM serine/threonine kinase; plus strand), C11orf65 (chromosome 11 open reading frame 65; minus strand). Cytogenetic location: 11q22.3.
Variant type: single nucleotide variant.
Coding change: c.7081C>G on transcript NM_000051.4 (MANE Select); coding-DNA position 7081, C replaced by G.
Protein change: p.Leu2361Val; replaces leucine 2361 with valine.
Molecular consequence: missense variant. On other transcripts: intron variant (2).
Genome position (GRCh38, 1-based): chr11:108,327,750, C>G. VCF-style: chr11-108327750-C-G. GRCh37 (hg19) VCF-style: chr11-108198477-C-G.
Other names: c.7081C>G, p.Leu2361Val (NM_001351834.2); c.641-18679G>C (NM_001330368.2); c.*38+7470G>C (NM_001351110.2); short protein forms L2361V.
Identifiers: ClinVar variation 859033 (VCV000859033.10), dbSNP rs1412288141, ClinGen allele CA382559175.